The following is an entry in ClinVar:

NM_003070.5(SMARCA2):c.1538G>A (p.Gly513Asp)

Gene: SMARCA2 (SWI/SNF related BAF chromatin remodeling complex subunit ATPase 2; plus strand). Cytogenetic location: 9p24.3.
Variant type: single nucleotide variant.
Coding change: c.1538G>A on transcript NM_003070.5 (MANE Select); coding-DNA position 1538, G replaced by A.
Protein change: p.Gly513Asp; replaces glycine 513 with aspartic acid.
Molecular consequence: missense variant.
Genome position (GRCh38, 1-based): chr9:2,060,832, G>A. VCF-style: chr9-2060832-G-A. GRCh37 (hg19) VCF-style: chr9-2060832-G-A.
Other names: c.1538G>A, p.Gly513Asp (NM_001289396.2, NM_001289397.2, NM_139045.4); short protein forms G513D.
Identifiers: ClinVar variation 979174 (VCV000979174.3), dbSNP rs1586660338, ClinGen allele CA372782404.

ClinVar aggregate classification (germline): Likely pathogenic (1 of 4 stars; one submission).

Conditions:
Intellectual disability. Also called: intellectual disabilities; Intellectual developmental disorder; Intellectual functioning disability. Identifiers: MedGen C3714756, MeSH D008607, MONDO:0001071, HP:0001249.
Blepharophimosis. Also called: Blepharophimosis (disease). Identifiers: MedGen C0005744, MONDO:0001008, HP:0000581.

Submission:

Center for Human Genetics and Genomic Medicine, Uniklinik Rwth Aachen
Classification: Likely pathogenic for Blepharophimosis; Intellectual disability. Last evaluated: 2020-09-16. Review status: criteria provided, single submitter. Criteria: ACMG Guidelines, 2015. Collection method: clinical testing. Allele origin: de novo. Inheritance: Autosomal dominant inheritance. Affected: yes. Observed: 1 heterozygote.
Comment: A different amino acid change at this position is described as pathogenic in 10.1038/s41436-020-0898-y